The following is an entry in ClinVar:

NM_018418.5(SPATA7):c.1090G>T (p.Glu364Ter)

Gene: SPATA7 (spermatogenesis associated 7; plus strand). Cytogenetic location: 14q31.3.
Variant type: single nucleotide variant.
Coding change: c.1090G>T on transcript NM_018418.5 (MANE Select); coding-DNA position 1090, G replaced by T.
Protein change: p.Glu364Ter; replaces glutamic acid 364 with a stop codon.
Molecular consequence: nonsense.
Genome position (GRCh38, 1-based): chr14:88,433,142, G>T. VCF-style: chr14-88433142-G-T. GRCh37 (hg19) VCF-style: chr14-88899486-G-T.
Other names: c.994G>T, p.Glu332Ter (NM_001040428.4); short protein forms E364*, E332*.
Identifiers: ClinVar variation 2090160 (VCV002090160.4), dbSNP rs2504271197, ClinGen allele CA390568536.

ClinVar aggregate classification (germline): Pathogenic (1 of 4 stars; one submission).

Conditions:
Leber congenital amaurosis 3 (LCA3). Also called: SPATA7-Related Retinitis Pigmentosa. Identifiers: MedGen C1858677, MONDO:0011415, OMIM 604232.

Submission:

Labcorp Genetics (formerly Invitae), Labcorp
Classification: Pathogenic for Leber congenital amaurosis 3. Last evaluated: 2022-04-28. Review status: criteria provided, single submitter. Criteria: Invitae Variant Classification Sherloc (09022015). Collection method: clinical testing. Allele origin: germline.
Comment: For these reasons, this variant has been classified as Pathogenic. This variant has not been reported in the literature in individuals affected with SPATA7-related conditions. This variant is not present in population databases (gnomAD no frequency). This sequence change creates a premature translational stop signal (p.Glu364*) in the SPATA7 gene. It is expected to result in an absent or disrupted protein product. Loss-of-function variants in SPATA7 are known to be pathogenic (PMID: 19268277, 22334370, 23847139, 26047050, 26261414).

Literature cited by the submitters: PubMed 19268277; PubMed 22334370; PubMed 23847139; PubMed 26047050; PubMed 26261414.